The following is an entry in ClinVar:

ClinVar aggregate classification (germline): Uncertain significance (1 of 4 stars; one submission).

gnomAD v4.1: 1 of 1,577,462 alleles (0.000063%); highest among the groups gnomAD compares: Non-Finnish European, 0.000087%; no homozygotes.

Submission:

Ambry Genetics
Classification: Uncertain significance. Last evaluated: 2022-06-03. Review status: criteria provided, single submitter. Criteria: Ambry Variant Classification Scheme 2023. Collection method: clinical testing. Allele origin: germline.
Comment: The p.S725Y variant (also known as c.2174C>A), located in coding exon 13 of the NPAT gene, results from a C to A substitution at nucleotide position 2174. The serine at codon 725 is replaced by tyrosine, an amino acid with dissimilar properties. This amino acid position is conserved. In addition, this alteration is predicted to be tolerated by in silico analysis. Since supporting evidence is limited at this time, the clinical significance of this alteration remains unclear.

NM_002519.3(NPAT):c.2174C>A (p.Ser725Tyr)

Gene: NPAT (nuclear protein, coactivator of histone transcription; minus strand). Cytogenetic location: 11q22.3.
Variant type: single nucleotide variant.
Coding change: c.2174C>A on transcript NM_002519.3 (MANE Select); coding-DNA position 2174, C replaced by A.
Protein change: p.Ser725Tyr; replaces serine 725 with tyrosine.
Molecular consequence: missense variant.
Genome position (GRCh38, 1-based): chr11:108,172,810, G>T on the plus strand (C>A on the coding strand, the complement: NPAT is on the minus strand). VCF-style: chr11-108172810-G-T. GRCh37 (hg19) VCF-style: chr11-108043537-G-T.
Other names: c.2174C>A, p.Ser725Tyr (NM_001321307.1); short protein forms S725Y.
Identifiers: ClinVar variation 1787155 (VCV001787155.2), dbSNP rs1156500774, ClinGen allele CA382513530.